The following is an entry in ClinVar:

NM_014363.6(SACS):c.1720C>T (p.Gln574Ter)

Gene: SACS (sacsin molecular chaperone; minus strand). Cytogenetic location: 13q12.12.
Variant type: single nucleotide variant.
Coding change: c.1720C>T on transcript NM_014363.6 (MANE Select); coding-DNA position 1720, C replaced by T.
Protein change: p.Gln574Ter; replaces glutamine 574 with a stop codon.
Molecular consequence: nonsense.
Genome position (GRCh38, 1-based): chr13:23,354,892, G>A on the plus strand (C>T on the coding strand, the complement: SACS is on the minus strand). VCF-style: chr13-23354892-G-A. GRCh37 (hg19) VCF-style: chr13-23929031-G-A.
Other names: c.1279C>T, p.Gln427Ter (NM_001278055.2); short protein forms Q427*, Q574*.
Identifiers: ClinVar variation 2173271 (VCV002173271.5), dbSNP rs2542393826, ClinGen allele CA387547015.

ClinVar aggregate classification (germline): Pathogenic/Likely pathogenic. Review status: criteria provided, multiple submitters, no conflicts (2 of 4 stars). 2 submissions from 2 submitters: Pathogenic (1); Likely pathogenic (1). Last evaluated 2024-04-11.

Conditions:
Spastic paraplegia. Identifiers: MedGen C0037772, HP:0001258.
Charlevoix-Saguenay spastic ataxia (SACS). Also called: Spastic ataxia of Charlevoix-Saguenay; AUTOSOMAL RECESSIVE SPASTIC ATAXIA OF CHARLEVOIX-SAGUENAY; SPASTIC ATAXIA 6, AUTOSOMAL RECESSIVE. Identifiers: Orphanet 98, MedGen C1849140, MONDO:0010041, OMIM 270550.

Submissions (2):

Fulgent Genetics
Classification: Likely pathogenic for Charlevoix-Saguenay spastic ataxia. Last evaluated: 2024-04-11. Review status: criteria provided, single submitter. Criteria: ACMG Guidelines, 2015. Collection method: clinical testing. Allele origin: germline.

Labcorp Genetics (formerly Invitae), Labcorp
Classification: Pathogenic for Spastic paraplegia. Last evaluated: 2022-02-10. Review status: criteria provided, single submitter. Criteria: Invitae Variant Classification Sherloc (09022015). Collection method: clinical testing. Allele origin: germline.
Comment: Algorithms developed to predict the effect of sequence changes on RNA splicing suggest that this variant may create or strengthen a splice site. For these reasons, this variant has been classified as Pathogenic. This variant has not been reported in the literature in individuals affected with SACS-related conditions. This variant is not present in population databases (gnomAD no frequency). This sequence change creates a premature translational stop signal (p.Gln574*) in the SACS gene. It is expected to result in an absent or disrupted protein product. Loss-of-function variants in SACS are known to be pathogenic (PMID: 18465152, 20876471).

Literature cited by the submitters: PubMed 18465152 (cited by Labcorp Genetics (formerly Invitae), Labcorp); PubMed 20876471 (cited by Labcorp Genetics (formerly Invitae), Labcorp).